The following is an entry in ClinVar:

NM_007294.4(BRCA1):c.1401G>C (p.Lys467Asn)

Gene: BRCA1 (BRCA1 DNA repair associated; minus strand). Cytogenetic location: 17q21.31.
Variant type: single nucleotide variant.
Coding change: c.1401G>C on transcript NM_007294.4 (MANE Select); coding-DNA position 1401, G replaced by C.
Protein change: p.Lys467Asn; replaces lysine 467 with asparagine.
Molecular consequence: missense variant. On other transcripts: intron variant (137).
Genome position (GRCh38, 1-based): chr17:43,094,130, C>G on the plus strand (G>C on the coding strand, the complement: BRCA1 is on the minus strand). VCF-style: chr17-43094130-C-G. GRCh37 (hg19) VCF-style: chr17-41246147-C-G.
Other names: c.406+614G>C (NM_001408510.1); c.643+614G>C (NM_001408470.1, NM_001408464.1, NM_001408468.1 and 3 more transcripts); c.646+614G>C (NM_001408469.1, NM_001408453.1, NM_001408461.1 and 11 more transcripts); c.784+614G>C (NM_001408397.1, NM_001408401.1, NM_001408396.1 and 13 more transcripts); c.664+614G>C (NM_001408436.1, NM_001408444.1, NM_001408438.1 and 12 more transcripts); c.787+614G>C (NM_001407980.1, NM_001407993.1, NM_001407976.1 and 19 more transcripts); c.652+614G>C (NM_001408451.1); c.523+614G>C (NM_001408498.1, NM_001408501.1, NM_001408500.1 and 3 more transcripts); and 40 more; short protein forms K420N, K440N, K466N, K171N, K378N, K400N, K419N, K441N.
Identifiers: ClinVar variation 1771818 (VCV001771818.5), dbSNP rs786201323, ClinGen allele CA10599248.

ClinVar aggregate classification (germline): Conflicting classifications of pathogenicity. Review status: criteria provided, conflicting classifications (1 of 4 stars). 2 submissions from 2 submitters: Uncertain significance (1); Likely benign (1). Last evaluated 2025-06-03.

Conditions:
Hereditary cancer-predisposing syndrome. Also called: Hereditary Cancer Syndrome; Hereditary neoplastic syndrome; Neoplastic Syndromes, Hereditary; Tumor predisposition. Identifiers: Orphanet 140162, MedGen C0027672, MeSH D009386, MONDO:0015356.

Submissions (2):

Ambry Genetics
Classification: Uncertain significance for Hereditary cancer-predisposing syndrome. Last evaluated: 2025-06-03. Review status: criteria provided, single submitter. Criteria: Ambry Variant Classification Scheme 2023. Collection method: clinical testing. Allele origin: germline.

University of Washington Department of Laboratory Medicine, University of Washington
Classification: Likely benign for Hereditary cancer-predisposing syndrome. Last evaluated: 2023-03-23. Review status: criteria provided, single submitter. Criteria: Dines et al. (Genet Med. 2020). Collection method: curation. Allele origin: germline.
Comment: Missense variant in a coldspot region where missense variants are very unlikely to be pathogenic (PMID:31911673).

BRCA1 coldspot (exon 11 using historical exon numbering). Reclassification based on statistical prior probability